The following is an entry in ClinVar:

NM_004380.3(CREBBP):c.4571A>G (p.Lys1524Arg)

Gene: CREBBP (CREB binding lysine acetyltransferase; minus strand). Cytogenetic location: 16p13.3.
Variant type: single nucleotide variant.
Coding change: c.4571A>G on transcript NM_004380.3 (MANE Select); coding-DNA position 4571, A replaced by G.
Protein change: p.Lys1524Arg; replaces lysine 1524 with arginine.
Molecular consequence: missense variant.
Genome position (GRCh38, 1-based): chr16:3,736,193, T>C on the plus strand (A>G on the coding strand, the complement: CREBBP is on the minus strand). VCF-style: chr16-3736193-T-C. GRCh37 (hg19) VCF-style: chr16-3786194-T-C.
Other names: c.4571A>G (NM_004380.2); c.4457A>G, p.Lys1486Arg (NM_001079846.1); short protein forms K1486R, K1524R.
Identifiers: ClinVar variation 2506949 (VCV002506949.3), dbSNP rs1395715531, ClinGen allele CA394563018.

ClinVar aggregate classification (germline): Uncertain significance. Review status: no assertion criteria provided (0 of 4 stars). 2 submissions from 2 submitters: Uncertain significance (2). Last evaluated 2024-09-09.

Conditions:
Rubinstein-Taybi syndrome due to CREBBP mutations (RSTS1). Also called: RUBINSTEIN-TAYBI SYNDROME 1, INCOMPLETE; BROAD THUMB-HALLUX SYNDROME; Rubinstein-Taybi syndrome 1; CREBBP-Related Rubinstein-Taybi Syndrome; RUBINSTEIN SYNDROME; BROAD THUMBS AND GREAT TOES, CHARACTERISTIC FACIES, AND IMPAIRED INTELLECTUAL DEVELOPMENT. Identifiers: Orphanet 353277, Orphanet 783, MedGen C4551859, MONDO:0008393, OMIM 180849.
CREBBP-related disorder. Also called: CREBBP-related disorders; CREBBP-related condition.

Allele frequency attached by ClinVar (database versions not stated): TOPMed below 0.00001; gnomAD 0.00001.
gnomAD v4.1: 1 of 1,614,118 alleles (0.000062%); highest among the groups gnomAD compares: African/African-American, 0.0013%; no homozygotes.

Submissions (2):

PreventionGenetics, part of Exact Sciences
Classification: Uncertain significance for CREBBP-related condition. Last evaluated: 2024-09-09. Review status: no assertion criteria provided. Collection method: clinical testing. Allele origin: germline.
Comment: The CREBBP c.4571A>G variant is predicted to result in the amino acid substitution p.Lys1524Arg. To our knowledge, this variant has not been reported in the literature or in a large population database, indicating this variant is rare. At this time, the clinical significance of this variant is uncertain due to the absence of conclusive functional and genetic evidence.

Institute of Human Genetics, University of Ulm
Classification: Uncertain significance for Rubinstein-Taybi syndrome due to CREBBP mutations. Last evaluated: 2022-10-19. Review status: no assertion criteria provided. Collection method: research. Allele origin: germline. Inheritance: Autosomal dominant inheritance. Affected: no. Observed: 3 variant alleles.